The following is an entry in ClinVar:

ClinVar aggregate classification (germline): Uncertain significance (1 of 4 stars; one submission).

Conditions:
Von Hippel-Lindau syndrome (VHLS). Also called: VHL syndrome; von Hippel–Lindau syndrome; Von Hippel-Lindau. Identifiers: Orphanet 892, MedGen C0019562, MONDO:0008667, OMIM 193300. Disease mechanism: loss of function.
Chuvash polycythemia. Also called: POLYCYTHEMIA, VHL-DEPENDENT. Identifiers: Orphanet 238557, MedGen C1837915, MONDO:0009892, OMIM 263400.

Submission:

Labcorp Genetics (formerly Invitae), Labcorp
Classification: Uncertain significance for Von Hippel-Lindau syndrome; Chuvash polycythemia. Last evaluated: 2024-02-17. Review status: criteria provided, single submitter. Criteria: Invitae Variant Classification Sherloc (09022015). Collection method: clinical testing. Allele origin: germline.
Comment: This sequence change falls in intron 1 of the VHL gene. It is not expected to change the encoded amino acid sequence of the VHL protein. However, this sequence change falls within a cryptic exon in the VHL gene, known as exon E1’, which is naturally expressed at low levels in several human tissues (PMID: 29891534). This variant is not present in population databases (gnomAD no frequency). This variant has not been reported in the literature in individuals affected with VHL-related conditions. ClinVar contains an entry for this variant (Variation ID: 1516292). Algorithms developed to predict the effect of sequence changes on RNA splicing suggest that this variant is not likely to affect RNA splicing. In summary, the available evidence is currently insufficient to determine the role of this variant in disease. Therefore, it has been classified as a Variant of Uncertain Significance.

Literature cited by the submitters: PubMed 29891534.

NM_000551.4(VHL):c.340+669C>T

Genes: VHL (von Hippel-Lindau tumor suppressor; plus strand), LOC107303340 (3p25 von Hippel-Lindau tumor suppressor, E3 ubiquitin protein ligase Alu-mediated recombination region; plus strand). Cytogenetic location: 3p25.3.
Variant type: single nucleotide variant.
Coding change: c.340+669C>T on transcript NM_000551.4 (MANE Select); 669 bases into the intron after coding-DNA position 340, C replaced by T.
Molecular consequence: intron variant. On other transcripts: missense variant (1).
Genome position (GRCh38, 1-based): chr3:10,142,856, C>T. VCF-style: chr3-10142856-C-T. GRCh37 (hg19) VCF-style: chr3-10184540-C-T.
Other names: c.434C>T, p.Thr145Ile (NM_001354723.2); c.340+669C>T (NM_198156.3); short protein forms T145I.
Identifiers: ClinVar variation 1516292 (VCV001516292.6), dbSNP rs2125125953, ClinGen allele CA2573136111.